The following is an entry in ClinVar:

ClinVar aggregate classification (germline): Benign/Likely benign. Review status: criteria provided, multiple submitters, no conflicts (2 of 4 stars). 4 submissions from 4 submitters: Benign (3); Likely benign (1). Last evaluated 2025-12-09.

Conditions:
Amyotrophic lateral sclerosis type 6. Also called: FUS-Related Amyotrophic Laterial Sclerosis; AMYOTROPHIC LATERAL SCLEROSIS 6 WITHOUT FRONTOTEMPORAL DEMENTIA; Amyotrophic lateral sclerosis 6, with or without frontotemporal dementia. Identifiers: Orphanet 275872, Orphanet 803, MedGen C2931786, MONDO:0011951, OMIM 608030.
Tremor, hereditary essential, 4 (ETM4). Identifiers: MedGen C3539195, MONDO:0013888, OMIM 614782.

Allele frequency attached by ClinVar (database versions not stated): gnomAD 0.00024 and 0.00028; TOPMed 0.00028; gnomAD exomes 0.00067; ExAC 0.00090; 1000 Genomes Project 30x 0.00125; 1000 Genomes Project 0.00140.
gnomAD v4.1: 621 of 1,599,424 alleles (0.039%); highest among the groups gnomAD compares: East Asian, 0.54%; no homozygotes.

Submissions (4):

Labcorp Genetics (formerly Invitae), Labcorp
Classification: Benign for Tremor, hereditary essential, 4; Amyotrophic lateral sclerosis type 6. Last evaluated: 2025-12-09. Review status: criteria provided, single submitter. Criteria: Invitae Variant Classification Sherloc (09022015). Collection method: clinical testing. Allele origin: germline.

Blueprint Genetics
Classification: Likely benign. Last evaluated: 2024-06-07. Review status: criteria provided, single submitter. Criteria: ACMG Guidelines, 2015. Collection method: clinical testing. Allele origin: germline.

GeneDx
Classification: Benign. Last evaluated: 2020-10-22. Review status: criteria provided, single submitter. Criteria: GeneDx Variant Classification Process June 2021. Collection method: clinical testing. Allele origin: germline. Affected: yes.

Illumina Laboratory Services, Illumina
Classification: Benign for Amyotrophic lateral sclerosis type 6. Last evaluated: 2018-01-13. Review status: criteria provided, single submitter. Criteria: ICSL Variant Classification Criteria 13 December 2019. Collection method: clinical testing. Allele origin: germline.
Comment: This variant was observed in the ICSL laboratory as part of a predisposition screen in an ostensibly healthy population. It had not been previously curated by ICSL or reported in the Human Gene Mutation Database (HGMD: prior to June 1st, 2018), and was therefore a candidate for classification through an automated scoring system. Utilizing variant allele frequency, disease prevalence and penetrance estimates, and inheritance mode, an automated score was calculated to assess if this variant is too frequent to cause the disease. Based on the score and internal cut-off values, a variant classified as benign is not then subjected to further curation. The score for this variant resulted in a classification of benign for this disease.

NM_004960.4(FUS):c.764+12A>C

Gene: FUS (FUS RNA binding protein; plus strand). Cytogenetic location: 16p11.2.
Variant type: single nucleotide variant.
Coding change: c.764+12A>C on transcript NM_004960.4 (MANE Select); 12 bases into the intron after coding-DNA position 764, A replaced by C.
Molecular consequence: intron variant.
Genome position (GRCh38, 1-based): chr16:31,185,191, A>C. VCF-style: chr16-31185191-A-C. GRCh37 (hg19) VCF-style: chr16-31196512-A-C.
Other names: c.752+12A>C (NM_001170937.1); c.761+12A>C (NM_001170634.1).
Identifiers: ClinVar variation 318987 (VCV000318987.14), dbSNP rs143916861, ClinGen allele CA8023784.